The following is an entry in ClinVar:

NM_001351132.2(PEX5):c.99G>C (p.Glu33Asp)

Gene: PEX5 (peroxisomal biogenesis factor 5; plus strand). Cytogenetic location: 12p13.31.
Variant type: single nucleotide variant.
Coding change: c.99G>C on transcript NM_001351132.2 (MANE Select); coding-DNA position 99, G replaced by C.
Protein change: p.Glu33Asp; replaces glutamic acid 33 with aspartic acid.
Molecular consequence: missense variant.
Genome position (GRCh38, 1-based): chr12:7,190,476, G>C. VCF-style: chr12-7190476-G-C. GRCh37 (hg19) VCF-style: chr12-7343072-G-C.
Other names: c.99G>C, p.Glu33Asp (NM_000319.5, NM_001131023.2, NM_001131024.2 and 22 more transcripts); short protein forms E33D.
Identifiers: ClinVar variation 1713812 (VCV001713812.5), dbSNP rs753239589, ClinGen allele CA383707858.
Genomic context (GRCh38, chr12:7,190,476, plus strand): 5'-TGCCAACCCGCTCATGAAGCTCGCCGGGCACTTCACCCAGGACAAGGCCCTTCGGCAGGA[G>C]GGATTGAGGCCTGGCCCCTGGCCCCCCGGAGCCCCGGCCTCTGAGGCAGTGAGTGTTCTT-3'
Protein context (NP_001338061.1, residues 23-43): HFTQDKALRQ[Glu33Asp]GLRPGPWPPG

ClinVar aggregate classification (germline): Uncertain significance (1 of 4 stars; one submission).

Conditions:
Peroxisome biogenesis disorder 2B (PBD2B). Identifiers: Orphanet 44, MedGen C3550234, MONDO:0008736, OMIM 202370.

Submission:

Labcorp Genetics (formerly Invitae), Labcorp
Classification: Uncertain significance for Peroxisome biogenesis disorder 2B. Last evaluated: 2022-07-25. Review status: criteria provided, single submitter. Criteria: Invitae Variant Classification Sherloc (09022015). Collection method: clinical testing. Allele origin: germline.
Comment: This sequence change replaces glutamic acid, which is acidic and polar, with aspartic acid, which is acidic and polar, at codon 33 of the PEX5 protein (p.Glu33Asp). This variant is not present in population databases (gnomAD no frequency). This variant has not been reported in the literature in individuals affected with PEX5-related conditions. Algorithms developed to predict the effect of missense changes on protein structure and function are either unavailable or do not agree on the potential impact of this missense change (SIFT: "Tolerated"; PolyPhen-2: "Possibly Damaging"; Align-GVGD: "Class C0"). In summary, the available evidence is currently insufficient to determine the role of this variant in disease. Therefore, it has been classified as a Variant of Uncertain Significance.